The following is an entry in ClinVar:

NM_000277.3(PAH):c.722del (p.Arg241fs)

Gene: PAH (phenylalanine hydroxylase; minus strand). Cytogenetic location: 12q23.2.
Variant type: Deletion.
Coding change: c.722del on transcript NM_000277.3 (MANE Select); coding-DNA position 722, one base deleted (G; older notation c.722delG).
Protein change: p.Arg241fs; shifts the reading frame from arginine 241.
Molecular consequence: frameshift variant.
Genome position (GRCh38, 1-based): chr12:102,852,935, C deleted on the plus strand (G on the coding strand, the reverse complement: PAH is on the minus strand). VCF-style (leftmost placement, unchanged base first): chr12-102852934-GC-G. GRCh37 (hg19) VCF-style: chr12-103246712-GC-G.
Other names: c.722delG (NM_000277.2); c.722del, p.Arg241fs (NM_001354304.2); c.722del (NM_000277.1); short protein forms R241fs.
Identifiers: ClinVar variation 102806 (VCV000102806.22), dbSNP rs199475657, ClinGen allele CA229717.

ClinVar aggregate classification (germline): Pathogenic. Review status: reviewed by expert panel (3 of 4 stars). 8 submissions from 8 submitters: Pathogenic (1). 7 of the submissions do not count toward it. Last evaluated 2020-05-09.

Conditions:
Phenylketonuria (PKU). Also called: Phenylketonurias; OLIGOPHRENIA PHENYLPYRUVICA; FOLLING DISEASE; Phenylketonuria (PKU). Identifiers: Orphanet 716, MedGen C0031485, MONDO:0009861, OMIM 261600. Disease mechanism: loss of function.

Submissions (8):

ClinGen PAH Variant Curation Expert Panel
Classification: Pathogenic for Phenylketonuria. Last evaluated: 2020-05-09. Review status: reviewed by expert panel. Criteria: ClinGen PAH ACMG Specifications v1. Collection method: curation. Allele origin: germline. Inheritance: Autosomal recessive inheritance.
Comment: The PAH variant c.722del (p.Arg241fs) is a null variant (frameshift indel) located in exon number 7 of the PAH gene. The loss of function in the PAH gene is a mechanism of disease: 98 pathogenic null variants were reported in ClinVar for this gene, across 13 different exons, of which 11 variants were found on exon 7. The mRNA transcript is predicted to undergo NMD. The PAH variant c.722del (p.Arg241fs) was detected in four Chinese patients with classic PKU (Phe levels >20 mg/dl) and one Chinese patient with mild PKU (Phe levels 10-20 mg/dl). BH4 deficiency was excluded by analysis of urinary pterins and dihydropteridine reductase activity in erythrocytes (PMID: 26322415). The variant c.722del (p.Arg241fs) was detected in trans (confirmed by parental DNA analyses) in five Chinese patients with the following PAH pathogenic variants: c.498C>G (p.Tyr166Ter) (ClinVar ID: 371373), c.728G>A (p.Arg243Gln) (ClinVar ID: 591), and c.1223G>A (p.Arg408Gln) (ClinVar ID: 612) (PMID: 26322415). The variant c.722del (p.Arg241fs) was also detected in three compound heterozygous Chinese patients with the following PAH pathogenic and likely pathogenic variants: c.611A>G (p.Tyr204Cys) (ClinVar ID: 590), c.1223G>A (p.Arg408Gln) (ClinVar ID: 612)(PMID: 30459323). PM3_Very Strong (6.75). The variant c.722del (p.Arg241fs) is absent from the gnomAD, and ExAC population databases. In summary, this variant meets the criteria to be classified as pathogenic for PAH. PAH-specific ACMG/AMP criteria applied: PM2, PM3_Very Strong (6.75), PVS1, PP4_Moderate.

Natera, Inc.
Classification: Pathogenic for Phenylketonuria. Last evaluated: 2025-06-01. Review status: criteria provided, single submitter. Criteria: Natera Variant Classification Schema (03/2026). Collection method: clinical testing. Allele origin: germline. Not counted in ClinVar's aggregate classification.
Comment: The c.722delG variant in PAH is a frameshift variant predicted to shift the reading frame beginning at codon 241 and leads to a stop codon 100 codons downstream. This variant is expected to result in nonsense mediated decay, truncation, or a dysfunctional protein product. This variant is rare in the general population with a frequency below the threshold expected for the associated phenotype(s). This variant has been observed in one or more individuals affected with the associated recessive disease, as either homozygous or compound heterozygous with a second variant (PMID: 30459323). Given the available evidence, this variant is classified as Pathogenic.

Labcorp Genetics (formerly Invitae), Labcorp
Classification: Pathogenic for Phenylketonuria. Last evaluated: 2023-12-30. Review status: criteria provided, single submitter. Criteria: Invitae Variant Classification Sherloc (09022015). Collection method: clinical testing. Allele origin: germline. Not counted in ClinVar's aggregate classification.
Comment: This sequence change creates a premature translational stop signal (p.Arg241Profs*100) in the PAH gene. It is expected to result in an absent or disrupted protein product. Loss-of-function variants in PAH are known to be pathogenic (PMID: 1301187, 9634518). This variant is not present in population databases (gnomAD no frequency). This premature translational stop signal has been observed in individual(s) with phenylketonuria (PMID: 12905706, 25550961, 29499199). This variant is also known as p.Arg241fs or p.Arg241fsX5. ClinVar contains an entry for this variant (Variation ID: 102806). For these reasons, this variant has been classified as Pathogenic.

Women's Health and Genetics/Laboratory Corporation of America, LabCorp
Classification: Pathogenic for Phenylketonuria. Last evaluated: 2022-06-20. Review status: criteria provided, single submitter. Criteria: LabCorp Variant Classification Summary - May 2015. Collection method: clinical testing. Allele origin: germline. Not counted in ClinVar's aggregate classification.
Comment: Variant summary: PAH c.722delG (p.Arg241ProfsX100) results in a premature termination codon, predicted to cause a truncation of the encoded protein or absence of the protein due to nonsense mediated decay, which are commonly known mechanisms for disease. Truncations downstream of this position have been classified as pathogenic by our laboratory. The variant was absent in 251030 control chromosomes (gnomAD). c.722delG has been reported in the literature in several Chinese individuals affected with Phenylalanine Hydroxylase Deficiency (Phenylketonuria) (e.g. Tao_2015, Li_2018, Wang_2018). These data indicate that the variant is very likely to be associated with disease. To our knowledge, no experimental evidence demonstrating an impact on protein function has been reported. Three submitters, including an expert panel (ClinGen PAH Variant Curation Expert Panel), have provided clinical-significance assessments for this variant in ClinVar after 2014, and classified the variant as pathogenic (n=2; including the Expert Panel) / likely pathogenic (n=1). Based on the evidence outlined above, the variant was classified as pathogenic.

Juno Genomics, Hangzhou Juno Genomics, Inc
Classification: Pathogenic for Phenylketonuria. Review status: criteria provided, single submitter. Criteria: ACMG Guidelines, 2015. Collection method: clinical testing. Allele origin: germline. Not counted in ClinVar's aggregate classification.
Comment: Absent from controls (or at extremely low frequency if recessive) in Genome Aggregation Database.;Null variant in a gene where loss of function (LOF) is a known mechanism of disease.;For recessive disorders, detected in trans with a pathogenic variant.

Department of Rehabilitation, Anhui Provincial Children's Hospital
Classification: Pathogenic for Phenylketonuria. Last evaluated: 2023-12-08. Review status: no assertion criteria provided. Collection method: clinical testing. Allele origin: maternal. Affected: yes. Not counted in ClinVar's aggregate classification.
Comment: This variant causes a change in the open reading frame of the gene, resulting in a change in the protein function. Moreover, this variant forms a compound heterozygote with the c.611A>G mutation site.

Counsyl
Classification: Likely pathogenic for Phenylketonuria. Last evaluated: 2015-01-21. Review status: no assertion criteria provided. Collection method: literature only. Allele origin: unknown. Inheritance: Autosomal recessive inheritance. Not counted in ClinVar's aggregate classification.

DeBelle Laboratory for Biochemical Genetics, MUHC/MCH RESEARCH INSTITUTE
No classification provided. Review status: no classification provided. Collection method: not provided. Allele origin: not provided. Not counted in ClinVar's aggregate classification.

Literature cited by the submitters: PubMed 30459323 (cited by ClinGen PAH Variant Curation Expert Panel and Natera, Inc.); PubMed 26322415 (cited by ClinGen PAH Variant Curation Expert Panel and Women's Health and Genetics/Laboratory Corporation of America, LabCorp); PubMed 1301187 (cited by Labcorp Genetics (formerly Invitae), Labcorp); PubMed 9634518 (cited by Labcorp Genetics (formerly Invitae), Labcorp); PubMed 12905706 (cited by Labcorp Genetics (formerly Invitae), Labcorp and Counsyl); PubMed 25550961 (cited by Labcorp Genetics (formerly Invitae), Labcorp); PubMed 29499199 (cited by Labcorp Genetics (formerly Invitae), Labcorp and Women's Health and Genetics/Laboratory Corporation of America, LabCorp); PubMed 30050108 (cited by Women's Health and Genetics/Laboratory Corporation of America, LabCorp); PubMed 16256386 (cited by Counsyl); PubMed 25456745 (cited by Counsyl).